The following is an entry in ClinVar:

NM_006030.4(CACNA2D2):c.1513G>A (p.Val505Ile)

Gene: CACNA2D2 (calcium voltage-gated channel auxiliary subunit alpha2delta 2; minus strand). Cytogenetic location: 3p21.31.
Variant type: single nucleotide variant.
Coding change: c.1513G>A on transcript NM_006030.4 (MANE Select); coding-DNA position 1513, G replaced by A.
Protein change: p.Val505Ile; replaces valine 505 with isoleucine.
Molecular consequence: missense variant.
Genome position (GRCh38, 1-based): chr3:50,377,770, C>T on the plus strand (G>A on the coding strand, the complement: CACNA2D2 is on the minus strand). VCF-style: chr3-50377770-C-T. GRCh37 (hg19) VCF-style: chr3-50415201-C-T.
Other names: c.1513G>A, p.Val505Ile (NM_001005505.3, NM_001174051.3); c.1306G>A, p.Val436Ile (NM_001291101.1); short protein forms V505I, V436I.
Identifiers: ClinVar variation 860947 (VCV000860947.6), dbSNP rs763706652, ClinGen allele CA2418836.
Genomic context (GRCh38, chr3:50,377,770, plus strand): 5'-CCCAACCCTCCCCTTTCCTCACCTTCTTTTCCCCAGGGCCATCCTGTGTCAGGTTGAAAA[C>T]AGGGAGGGTCCCTGTTACCACCAACCCCAGTCCCTGAAGGGAGAGGAAGATGATGGAGTC-3'
Protein context (NP_006021.2, residues 495-515): LGLVVTGTLP[Val505Ile]FNLTQDGPGE

ClinVar aggregate classification (germline): Uncertain significance (1 of 4 stars; one submission).

Conditions:
Developmental and epileptic encephalopathy. Identifiers: MedGen C5779964, MONDO:0100620.

Allele frequency attached by ClinVar (database versions not stated): gnomAD exomes below 0.00001; ExAC 0.00001; gnomAD 0.00001.
gnomAD v4.1: 7 of 1,613,322 alleles (0.00043%); highest among the groups gnomAD compares: African/African-American, 0.0013%; no homozygotes.

Submission:

Labcorp Genetics (formerly Invitae), Labcorp
Classification: Uncertain significance for Early-infantile DEE. Last evaluated: 2024-02-17. Review status: criteria provided, single submitter. Criteria: Invitae Variant Classification Sherloc (09022015). Collection method: clinical testing. Allele origin: germline.
Comment: This sequence change replaces valine, which is neutral and non-polar, with isoleucine, which is neutral and non-polar, at codon 505 of the CACNA2D2 protein (p.Val505Ile). This variant is present in population databases (rs763706652, gnomAD 0.0009%). This variant has not been reported in the literature in individuals affected with CACNA2D2-related conditions. ClinVar contains an entry for this variant (Variation ID: 860947). An algorithm developed to predict the effect of missense changes on protein structure and function (PolyPhen-2) suggests that this variant is likely to be disruptive. In summary, the available evidence is currently insufficient to determine the role of this variant in disease. Therefore, it has been classified as a Variant of Uncertain Significance.